The following is an entry in ClinVar:

NM_001447.3(FAT2):c.3869C>A (p.Ala1290Asp)

Genes: FAT2 (FAT atypical cadherin 2; minus strand), SLC36A1 (solute carrier family 36 member 1; plus strand). Cytogenetic location: 5q33.1.
Variant type: single nucleotide variant.
Coding change: c.3869C>A on transcript NM_001447.3 (MANE Select); coding-DNA position 3869, C replaced by A.
Protein change: p.Ala1290Asp; replaces alanine 1290 with aspartic acid.
Molecular consequence: missense variant.
Genome position (GRCh38, 1-based): chr5:151,554,438, G>T on the plus strand (C>A on the coding strand, the complement: FAT2 is on the minus strand). VCF-style: chr5-151554438-G-T. GRCh37 (hg19) VCF-style: chr5-150933999-G-T.
Other names: short protein forms A1290D.
Identifiers: ClinVar variation 2655963 (VCV002655963.24), dbSNP rs758404210, ClinGen allele CA361848288.
Genomic context (GRCh38, chr5:151,554,438, plus strand): 5'-TCTCCAGCTGTAAAAGTGCTGCTGGATGAAACCACACCTGTGACCAGGTCGATACTGAAG[G>T]CCTCCTCATCGCTGTCCTCGATACTGTAGGTGACTCTGCCATTAAGACCCTCATCCAGGT-3'
Protein context (NP_001438.1, residues 1280-1300): TYSIEDSDEE[Ala1290Asp]FSIDLVTGVV

ClinVar aggregate classification (germline): Uncertain significance (1 of 4 stars; one submission).

gnomAD v4.1: 1 of 1,614,196 alleles (0.000062%); highest among the groups gnomAD compares: Non-Finnish European, 0.000085%; no homozygotes.

Submission:

CeGaT Center for Human Genetics Tuebingen
Classification: Uncertain significance. Last evaluated: 2022-10-01. Review status: criteria provided, single submitter. Criteria: CeGaT Center For Human Genetics Tuebingen Variant Classification Criteria Version 2. Collection method: clinical testing. Allele origin: germline. Affected: yes. Observed: 1 variant allele.
Comment: FAT2: PM2, BP4